The following is an entry in ClinVar:

NM_020207.7(ERCC6L2):c.239G>A (p.Arg80Lys)

Gene: ERCC6L2 (ERCC excision repair 6 like 2; plus strand). Cytogenetic location: 9q22.32.
Variant type: single nucleotide variant.
Coding change: c.239G>A on transcript NM_020207.7 (MANE Select); coding-DNA position 239, G replaced by A.
Protein change: p.Arg80Lys; replaces arginine 80 with lysine.
Molecular consequence: missense variant. On other transcripts: non-coding transcript variant (1).
Genome position (GRCh38, 1-based): chr9:95,881,061, G>A. VCF-style: chr9-95881061-G-A. GRCh37 (hg19) VCF-style: chr9-98643343-G-A.
Other names: c.239G>A, p.Arg80Lys (NM_001010895.4, NM_001375291.1, NM_001375292.1 and 2 more transcripts); short protein forms R80K.
Identifiers: ClinVar variation 1478671 (VCV001478671.9), dbSNP rs1183139537, ClinGen allele CA374117311.

ClinVar aggregate classification (germline): Uncertain significance. Review status: criteria provided, multiple submitters, no conflicts (2 of 4 stars). 2 submissions from 2 submitters: Uncertain significance (2). Last evaluated 2025-03-09.

Conditions:
Inborn genetic diseases. Identifiers: MedGen C0950123, MeSH D030342.

Allele frequency attached by ClinVar (database versions not stated): gnomAD exomes below 0.00001.
gnomAD v4.1: 2 of 1,613,676 alleles (0.00012%); highest among the groups gnomAD compares: Admixed American, 0.0033%; no homozygotes.

Submissions (2):

Ambry Genetics
Classification: Uncertain significance for Inborn genetic diseases. Last evaluated: 2025-03-09. Review status: criteria provided, single submitter. Criteria: Ambry Variant Classification Scheme 2023. Collection method: clinical testing. Allele origin: germline.
Comment: The p.R80K variant (also known as c.239G>A), located in coding exon 2 of the ERCC6L2 gene, results from a G to A substitution at nucleotide position 239. The arginine at codon 80 is replaced by lysine, an amino acid with highly similar properties. This amino acid position is conserved. In addition, this alteration is predicted to be tolerated by in silico analysis. Based on the available evidence, the clinical significance of this variant remains unclear.

Labcorp Genetics (formerly Invitae), Labcorp
Classification: Uncertain significance. Last evaluated: 2024-11-24. Review status: criteria provided, single submitter. Criteria: Invitae Variant Classification Sherloc (09022015). Collection method: clinical testing. Allele origin: germline.
Comment: This sequence change replaces arginine, which is basic and polar, with lysine, which is basic and polar, at codon 91 of the ERCC6L2 protein (p.Arg91Lys). This variant is present in population databases (no rsID available, gnomAD 0.003%). This variant has not been reported in the literature in individuals affected with ERCC6L2-related conditions. ClinVar contains an entry for this variant (Variation ID: 1478671). An algorithm developed to predict the effect of missense changes on protein structure and function outputs the following: PolyPhen-2: "Not Available". The lysine amino acid residue is found in multiple mammalian species, which suggests that this missense change does not adversely affect protein function. In summary, the available evidence is currently insufficient to determine the role of this variant in disease. Therefore, it has been classified as a Variant of Uncertain Significance.